The following is an entry in ClinVar:

ClinVar aggregate classification (germline): Likely benign (1 of 4 stars; one submission).

Submission:

CeGaT Center for Human Genetics Tuebingen
Classification: Likely benign. Last evaluated: 2022-07-01. Review status: criteria provided, single submitter. Criteria: CeGaT Center For Human Genetics Tuebingen Variant Classification Criteria Version 2. Collection method: clinical testing. Allele origin: germline. Affected: yes. Observed: 1 variant allele.
Comment: CFAP47: BP4, BP7; CXorf30: BP4, BP7

NM_001304548.2(CFAP47):c.8673A>G (p.Gln2891=)

Gene: CFAP47 (cilia and flagella associated protein 47; plus strand). Cytogenetic location: Xp21.1.
Variant type: single nucleotide variant.
Coding change: c.8673A>G on transcript NM_001304548.2 (MANE Select); coding-DNA position 8673, A replaced by G.
Protein change: p.Gln2891=; no amino-acid change (glutamine 2891 retained).
Molecular consequence: synonymous variant.
Genome position (GRCh38, 1-based): chrX:36,350,107, A>G. VCF-style: chrX-36350107-A-G. GRCh37 (hg19) VCF-style: chrX-36368222-A-G.
Identifiers: ClinVar variation 2660269 (VCV002660269.23), dbSNP rs782814754, ClinGen allele CA10382416.
Genomic context (GRCh38, chrX:36,350,107, plus strand): 5'-AATCGACAGCGAAGAAATCCAAGCAATACACTGGATATACCCTATTGTTGGACTCCCACA[A>G]GCACCACCTCCTAAATCTCCCCCAGGTAGGTATACATTAGGGTCAGAGAATGCCAGAATT-3'
Protein context (NP_001291477.1, residues 2881-2901): HWIYPIVGLP[Gln2891=]APPPKSPPVV